The following is an entry in ClinVar:

ClinVar aggregate classification (germline): Conflicting classifications of pathogenicity. Review status: criteria provided, conflicting classifications (1 of 4 stars). 2 submissions from 2 submitters: Uncertain significance (1); Likely benign (1). Last evaluated 2023-11-27.

Conditions:
Landau-Kleffner syndrome (FESD). Also called: EPILEPSY, FOCAL, WITH SPEECH DISORDER AND WITH OR WITHOUT MENTAL RETARDATION; APHASIA, ACQUIRED, WITH EPILEPSY. Identifiers: Orphanet 1945, Orphanet 725, Orphanet 98818, MedGen C0282512, MONDO:0009509, OMIM 245570.

Allele frequency attached by ClinVar (database versions not stated): gnomAD exomes below 0.00001; ExAC 0.00001.
gnomAD v4.1: 5 of 1,614,038 alleles (0.00031%); highest among the groups gnomAD compares: South Asian, 0.0022%; no homozygotes.

Submissions (2):

Labcorp Genetics (formerly Invitae), Labcorp
Classification: Likely benign for Landau-Kleffner syndrome. Last evaluated: 2023-11-27. Review status: criteria provided, single submitter. Criteria: Invitae Variant Classification Sherloc (09022015). Collection method: clinical testing. Allele origin: germline.

Neuberg Centre For Genomic Medicine, NCGM
Classification: Uncertain significance for Landau-Kleffner syndrome. Review status: criteria provided, single submitter. Criteria: ACMG Guidelines, 2015. Collection method: clinical testing. Allele origin: germline. Inheritance: Autosomal dominant inheritance. Affected: yes.
Comment: The observed missense variant c.794C>Tp.Thr265Met in GRIN2A gene has not been reported previously as a pathogenic variant nor as a benign variant, to our knowledge. The p.Thr265Met variant is reported with 0.0004% allele frequency in gnomAD Exomes. This variant has been reported to the ClinVar database as Uncertain Significance. However, no details are available for independent assessment. The amino acid Thr at position 265 is changed to a Met changing protein sequence and it might alter its composition and physico-chemical properties. Computational evidence Polyphen-probably damaging, SIFT- Tolerated and Mutation Taster-disease causing predicts conflicting evidence on protein structure and function for this variant. The reference amino acid p.Thr265Met in GRIN2A is predicted as conserved by GERP++ and PhyloP across 100 vertebrates. For these reasons, this variant has been classified as Uncertain Significance

NM_001134407.3(GRIN2A):c.794C>T (p.Thr265Met)

Gene: GRIN2A (glutamate ionotropic receptor NMDA type subunit 2A; minus strand). Cytogenetic location: 16p13.2.
Variant type: single nucleotide variant.
Coding change: c.794C>T on transcript NM_001134407.3 (MANE Select); coding-DNA position 794, C replaced by T.
Protein change: p.Thr265Met; replaces threonine 265 with methionine.
Molecular consequence: missense variant.
Genome position (GRCh38, 1-based): chr16:9,938,172, G>A on the plus strand (C>T on the coding strand, the complement: GRIN2A is on the minus strand). VCF-style: chr16-9938172-G-A. GRCh37 (hg19) VCF-style: chr16-10032029-G-A.
Other names: c.794C>T, p.Thr265Met (NM_000833.5, NM_001134408.2); short protein forms T265M.
Identifiers: ClinVar variation 577489 (VCV000577489.11), dbSNP rs747214620, ClinGen allele CA7896898.